The following is an entry in ClinVar:

ClinVar aggregate classification (germline): Uncertain significance (1 of 4 stars; one submission).

Conditions:
Brugada syndrome. Also called: Sudden unexplained nocturnal death syndrome; Sudden unexpected nocturnal death syndrome; Sudden Unexplained Death Syndrome; Sudden Unexplained Nocturnal Death Syndrome (SUNDS). Identifiers: Orphanet 130, MedGen C1142166, MONDO:0015263.

Allele frequency attached by ClinVar (database versions not stated): gnomAD exomes below 0.00001.
gnomAD v4.1: 4 of 1,491,838 alleles (0.00027%); highest among the groups gnomAD compares: African/African-American, 0.0014%; no homozygotes.

Submission:

Labcorp Genetics (formerly Invitae), Labcorp
Classification: Uncertain significance for Brugada syndrome. Last evaluated: 2023-07-29. Review status: criteria provided, single submitter. Criteria: Invitae Variant Classification Sherloc (09022015). Collection method: clinical testing. Allele origin: germline.
Comment: This sequence change replaces leucine, which is neutral and non-polar, with isoleucine, which is neutral and non-polar, at codon 69 of the SLMAP protein (p.Leu69Ile). In summary, the available evidence is currently insufficient to determine the role of this variant in disease. Therefore, it has been classified as a Variant of Uncertain Significance. Algorithms developed to predict the effect of sequence changes on RNA splicing suggest that this variant may create or strengthen a splice site. An algorithm developed to predict the effect of missense changes on protein structure and function (PolyPhen-2) suggests that this variant is likely to be disruptive. This variant has not been reported in the literature in individuals affected with SLMAP-related conditions. This variant is not present in population databases (gnomAD no frequency).

NM_001377540.1(SLMAP):c.205C>A (p.Leu69Ile)

Gene: SLMAP (sarcolemma associated protein; plus strand). Cytogenetic location: 3p14.3.
Variant type: single nucleotide variant.
Coding change: c.205C>A on transcript NM_001377540.1 (MANE Select); coding-DNA position 205, C replaced by A.
Protein change: p.Leu69Ile; replaces leucine 69 with isoleucine.
Molecular consequence: missense variant. On other transcripts: non-coding transcript variant (1).
Genome position (GRCh38, 1-based): chr3:57,831,389, C>A. VCF-style: chr3-57831389-C-A. GRCh37 (hg19) VCF-style: chr3-57817116-C-A.
Other names: c.205C>A, p.Leu69Ile (NM_001304420.3, NM_001304421.2, NM_001377538.1 and 17 more transcripts); short protein forms L69I.
Identifiers: ClinVar variation 2777097 (VCV002777097.3), dbSNP rs1210532198, ClinGen allele CA353404052.